The following is an entry in ClinVar:

NM_012330.4(KAT6B):c.3276_3284del (p.Glu1102_Glu1104del)

Gene: KAT6B (lysine acetyltransferase 6B; plus strand). Cytogenetic location: 10q22.2.
Variant type: Deletion.
Coding change: c.3276_3284del on transcript NM_012330.4 (MANE Select); coding-DNA positions 3276 to 3284, 9 bases deleted (GGAGGAAGA; older notation c.3276_3284delGGAGGAAGA).
Protein change: p.Glu1102_Glu1104del.
Molecular consequence: inframe deletion.
Genome position (GRCh38, 1-based): chr10:75,022,135-75,022,143, GGAGGAAGA deleted; deleting any 9 consecutive bases within chr10:75,022,130-75,022,143 gives the same sequence; the c. name uses the placement nearest the transcript's 3' end. VCF-style (leftmost placement, unchanged base first): chr10-75022129-TGAAGAGGAG-T. GRCh37 (hg19) VCF-style: chr10-76781887-TGAAGAGGAG-T.
Other names: c.2727_2735del, p.Glu919_Glu921del (NM_001256468.2, NM_001370138.1); c.2400_2408del, p.Glu810_Glu812del (NM_001256469.2, NM_001370139.1, NM_001370140.1 and 2 more transcripts); c.2238_2246del, p.Glu756_Glu758del (NM_001370132.1); c.1587_1595del, p.Glu539_Glu541del (NM_001370133.1); c.1191_1199del, p.Glu407_Glu409del (NM_001370134.1); c.933_941del, p.Glu321_Glu323del (NM_001370135.1); c.3276_3284del, p.Glu1102_Glu1104del (NM_001370136.1, NM_001370137.1); c.2211_2219del, p.Glu747_Glu749del (NM_001370143.1, NM_001370144.1); and 1 more.
Identifiers: ClinVar variation 4688876 (VCV004688876.1).

ClinVar aggregate classification (germline): Uncertain significance (1 of 4 stars; one submission).

Submission:

Women's Health and Genetics/Laboratory Corporation of America, LabCorp
Classification: Uncertain significance. Last evaluated: 2025-12-23. Review status: criteria provided, single submitter. Criteria: LabCorp Variant Classification Summary - May 2015. Collection method: clinical testing. Allele origin: germline.
Comment: Variant summary: KAT6B c.3276_3284delGGAGGAAGA (p.Glu1102_Glu1104del) results in an in-frame deletion that is predicted to remove 3 amino acids from the encoded protein. The variant was absent in 246692 control chromosomes, however other variant(s) removing an identical number of glutamic acid residues from this poly-Glu repeat region have been observed in the gnomAD database, though we note the quality of data in this region may not be reliable. The available data on variant occurrences in the general population are insufficient to allow any conclusion about variant significance. To our knowledge, no occurrence of c.3276_3284delGGAGGAAGA in individuals affected with KAT6B-related conditions and no experimental evidence demonstrating its impact on protein function have been reported. No submitters have cited clinical-significance assessments for this variant to ClinVar. Based on the evidence outlined above, the variant was classified as uncertain significance.